The following is an entry in ClinVar:

NM_000059.4(BRCA2):c.8067T>A (p.Cys2689Ter)

Gene: BRCA2 (BRCA2 DNA repair associated; plus strand). Cytogenetic location: 13q13.1.
Variant type: single nucleotide variant.
Coding change: c.8067T>A on transcript NM_000059.4 (MANE Select); coding-DNA position 8067, T replaced by A.
Protein change: p.Cys2689Ter; replaces cysteine 2689 with a stop codon.
Molecular consequence: nonsense.
Genome position (GRCh38, 1-based): chr13:32,363,269, T>A. VCF-style: chr13-32363269-T-A. GRCh37 (hg19) VCF-style: chr13-32937406-T-A.
Other names: NP_000050.3:p.Cys2689Ter; short protein forms C2689*.
Identifiers: ClinVar variation 52493 (VCV000052493.46), dbSNP rs80359046, ClinGen allele CA025435.
Genomic context (GRCh38, chr13:32,363,269, plus strand): 5'-ATCGGCTATAAAAAAGATAATGGAAAGGGATGACACAGCTGCAAAAACACTTGTTCTCTG[T>A]GTTTCTGACATAATTTCATTGAGCGCAAATATATCTGAAACTTCTAGCAATAAAACTAGT-3'

ClinVar aggregate classification (germline): Pathogenic. Review status: reviewed by expert panel (3 of 4 stars). 18 submissions from 18 submitters: Pathogenic (1). 17 of the submissions do not count toward it. Last evaluated 2016-09-08.

Conditions:
Hereditary breast ovarian cancer syndrome. Also called: Hereditary breast and ovarian cancer syndrome; Hereditary breast and ovarian cancer; Hereditary breast and ovarian cancer syndrome (HBOC); Breast and ovarian cancer; Hereditary breast and/or ovarian cancer syndrome; BRCA1- and BRCA2-Associated Hereditary Breast and Ovarian Cancer. Identifiers: Orphanet 145, MedGen C0677776, MeSH D061325, MONDO:0003582. Disease mechanism: loss of function.
BRCA2-related cancer predisposition. Identifiers: MedGen CN377758, MONDO:0700269.
Hereditary cancer-predisposing syndrome. Also called: Neoplastic Syndromes, Hereditary; Tumor predisposition; Hereditary neoplastic syndrome; Hereditary Cancer Syndrome. Identifiers: Orphanet 140162, MedGen C0027672, MeSH D009386, MONDO:0015356.
Breast-ovarian cancer, familial, susceptibility to, 2 (BROVCA2). Also called: BRCA2 Hereditary Breast and Ovarian Cancer. Identifiers: Orphanet 145, MedGen C2675520, MONDO:0012933, OMIM 612555. Disease mechanism: loss of function.
Familial cancer of breast. Also called: BREAST CANCER, FAMILIAL; Hereditary breast cancer; hereditary breast carcinoma. Identifiers: Orphanet 227535, MedGen C0346153, MONDO:0016419, OMIM 114480. Disease mechanism: loss of function.

Submissions (18):

Evidence-based Network for the Interpretation of Germline Mutant Alleles (ENIGMA)
Classification: Pathogenic for Breast-ovarian cancer, familial, susceptibility to, 2. Last evaluated: 2016-09-08. Review status: reviewed by expert panel. Criteria: ENIGMA BRCA1/2 Classification Criteria (2015). Collection method: curation. Allele origin: germline.
Comment: Variant allele predicted to encode a truncated non-functional protein.

Labcorp Genetics (formerly Invitae), Labcorp
Classification: Pathogenic for Hereditary breast ovarian cancer syndrome. Last evaluated: 2024-10-13. Review status: criteria provided, single submitter. Criteria: Invitae Variant Classification Sherloc (09022015). Collection method: clinical testing. Allele origin: germline. Not counted in ClinVar's aggregate classification.
Comment: This sequence change creates a premature translational stop signal (p.Cys2689*) in the BRCA2 gene. It is expected to result in an absent or disrupted protein product. Loss-of-function variants in BRCA2 are known to be pathogenic (PMID: 20104584). This variant is not present in population databases (gnomAD no frequency). This premature translational stop signal has been observed in individual(s) with a personal and/or family history of breast or ovarian cancer (PMID: 9167459, 10638982, 22009639, 29446198). ClinVar contains an entry for this variant (Variation ID: 52493). For these reasons, this variant has been classified as Pathogenic.

Ambry Genetics
Classification: Pathogenic for Hereditary cancer-predisposing syndrome. Last evaluated: 2023-07-31. Review status: criteria provided, single submitter. Criteria: Ambry Variant Classification Scheme 2023. Collection method: clinical testing. Allele origin: germline. Not counted in ClinVar's aggregate classification.
Comment: The p.C2689* pathogenic mutation (also known as c.8067T>A), located in coding exon 17 of the BRCA2 gene, results from a T to A substitution at nucleotide position 8067. This changes the amino acid from a cysteine to a stop codon within coding exon 17. This variant has been reported in studies of patients with suspected hereditary breast and/or ovarian cancer and in a patient with Fanconi anemia (Stratton M et al. Lancet 1997 May; 349(9064):1505-10; Peelen T et al. Br. J. Cancer 2000 Jan; 82(1):151-6.;Litton JK et al. Cancer 2012 Jan; 118(2):321-5; Bayraktar S et al. Cancer 2012 Mar; 118(6):1515-22; Ameziane N et al. Anemia 2012; 2012:132856; Vos JR et al. Cancer Epidemiol. Biomarkers Prev. 2014 Nov; 23(11):2482-91). In addition to the clinical data presented in the literature, this alteration is expected to result in loss of function by premature protein truncation or nonsense-mediated mRNA decay. As such, this alteration is interpreted as a disease-causing mutation.

Women's Health and Genetics/Laboratory Corporation of America, LabCorp
Classification: Pathogenic for Hereditary breast ovarian cancer syndrome. Last evaluated: 2022-07-15. Review status: criteria provided, single submitter. Criteria: LabCorp Variant Classification Summary - May 2015. Collection method: clinical testing. Allele origin: germline. Not counted in ClinVar's aggregate classification.
Comment: Variant summary: BRCA2 c.8067T>A (p.Cys2689X) results in a premature termination codon, predicted to cause a truncation of the encoded protein or absence of the protein due to nonsense mediated decay, which are commonly known mechanisms for disease. Truncations downstream of this position have been classified as pathogenic by our laboratory. The variant was absent in 251244 control chromosomes. c.8067T>A has been reported in the literature in multiple individuals affected with Hereditary Breast And Ovarian Cancer Syndrome (example, Rebbeck_2018). These data indicate that the variant is very likely to be associated with disease. Multiple clinical diagnostic laboratories and an expert panel (ENIGMA) have submitted clinical-significance assessments for this variant to ClinVar after 2014. All submitters classified the variant as pathogenic. Based on the evidence outlined above, the variant was classified as pathogenic.

Baylor Genetics
Classification: Pathogenic for Familial cancer of breast. Last evaluated: 2021-12-07. Review status: criteria provided, single submitter. Criteria: ACMG Guidelines, 2015. Collection method: clinical testing. Allele origin: unknown. Not counted in ClinVar's aggregate classification.

National Health Laboratory Service, Universitas Academic Hospital and University of the Free State
Classification: Pathogenic for Hereditary breast ovarian cancer syndrome. Last evaluated: 2021-11-16. Review status: criteria provided, single submitter. Criteria: ACMG Guidelines, 2015. Collection method: clinical testing. Allele origin: germline. Affected: yes. Observed: 1 variant allele. Not counted in ClinVar's aggregate classification.

Department of Pathology and Laboratory Medicine, Sinai Health System
Classification: Pathogenic for BRCA2-related cancer predisposition. Last evaluated: 2021-04-16. Review status: criteria provided, single submitter. Criteria: ACMG Guidelines, 2015. Collection method: clinical testing. Allele origin: germline. Affected: no. Not counted in ClinVar's aggregate classification.

Mendelics
Classification: Pathogenic for Hereditary breast and ovarian cancer syndrome. Last evaluated: 2018-07-02. Review status: criteria provided, single submitter. Criteria: Mendelics Assertion Criteria 2017. Collection method: clinical testing. Allele origin: unknown. Not counted in ClinVar's aggregate classification.

GeneDx
Classification: Pathogenic. Last evaluated: 2016-07-19. Review status: criteria provided, single submitter. Criteria: GeneDx Variant Classification (06012015). Collection method: clinical testing. Allele origin: germline. Affected: yes. Not counted in ClinVar's aggregate classification.
Comment: This variant is denoted BRCA2 c.8067T>A at the cDNA level and p.Cys2689Ter (C2689X) at the protein level. The substitution creates a nonsense variant, which changes a Cysteine to a premature stop codon (TGT>TGA), and is predicted to cause loss of normal protein function through either protein truncation or nonsense-mediated mRNA decay. Using alternate nomenclature, this variant would be defined as BRCA2 8295T>A and has been reported in multiple individuals with personal and family histories consistent with hereditary breast cancer (Breast Cancer Linkage Consortium 1997, Litton 2000, Peelen 2000, van der Hout 2006, Bayraktar 2012). We consider this variant to be pathogenic.

Consortium of Investigators of Modifiers of BRCA1/2 (CIMBA), c/o University of Cambridge
Classification: Pathogenic for Breast-ovarian cancer, familial, susceptibility to, 2. Last evaluated: 2015-10-02. Review status: criteria provided, single submitter. Criteria: CIMBA Mutation Classification guidelines May 2016. Collection method: clinical testing. Allele origin: germline. Not counted in ClinVar's aggregate classification.

Clinical Genetics DNA and cytogenetics Diagnostics Lab, Erasmus MC, Erasmus Medical Center
Classification: Pathogenic for Breast-ovarian cancer, familial, susceptibility to, 2. Last evaluated: 2015-09-21. Review status: criteria provided, single submitter. Criteria: ACGS Guidelines, 2013. Collection method: clinical testing. Allele origin: germline. Affected: yes. Study: VKGL Data-share Consensus. Not counted in ClinVar's aggregate classification.

Genome Diagnostics Laboratory, University Medical Center Utrecht
Classification: Pathogenic for Breast-ovarian cancer, familial, susceptibility to, 2. Last evaluated: 2014-10-08. Review status: criteria provided, single submitter. Criteria: ACGS Guidelines, 2013. Collection method: clinical testing. Allele origin: germline. Affected: yes. Study: VKGL Data-share Consensus. Not counted in ClinVar's aggregate classification.

BRCAlab, Lund University
Classification: Pathogenic for Breast-ovarian cancer, familial, susceptibility to, 2. Last evaluated: 2020-03-02. Review status: no assertion criteria provided. Collection method: clinical testing. Allele origin: germline. Affected: yes. Not counted in ClinVar's aggregate classification.

Counsyl
Classification: Likely pathogenic for Breast-ovarian cancer, familial 2. Last evaluated: 2014-09-09. Review status: no assertion criteria provided. Collection method: literature only. Allele origin: unknown. Inheritance: Autosomal dominant inheritance. Not counted in ClinVar's aggregate classification.

Breast Cancer Information Core (BIC) (BRCA2)
Classification: Pathogenic for Breast-ovarian cancer, familial 2. Last evaluated: 2004-02-20. Review status: no assertion criteria provided. Collection method: clinical testing. Allele origin: germline, unknown. Affected: yes. Observed: 4 variant alleles. Not counted in ClinVar's aggregate classification.

Clinical Genetics Laboratory, Department of Pathology, Netherlands Cancer Institute
Classification: Pathogenic. Review status: no assertion criteria provided. Collection method: clinical testing. Allele origin: germline. Affected: yes. Study: VKGL Data-share Consensus. Not counted in ClinVar's aggregate classification.

Diagnostic Laboratory, Department of Genetics, University Medical Center Groningen
Classification: Pathogenic for Breast-ovarian cancer, familial, susceptibility to, 2. Review status: no assertion criteria provided. Collection method: clinical testing. Allele origin: germline. Affected: yes. Study: VKGL Data-share Consensus. Not counted in ClinVar's aggregate classification.

Joint Genome Diagnostic Labs from Nijmegen and Maastricht, Radboudumc and MUMC+
Classification: Pathogenic. Review status: no assertion criteria provided. Collection method: clinical testing. Allele origin: germline. Affected: yes. Study: VKGL Data-share Consensus. Not counted in ClinVar's aggregate classification.

Literature cited by the submitters: PubMed 20104584 (cited by Labcorp Genetics (formerly Invitae), Labcorp); PubMed 9167459 (cited by 3 submitters); PubMed 10638982 (cited by 5 submitters); PubMed 22009639 (cited by 3 submitters); PubMed 29446198 (cited by Labcorp Genetics (formerly Invitae), Labcorp and Women's Health and Genetics/Laboratory Corporation of America, LabCorp); PubMed 21913181 (cited by 4 submitters); PubMed 22720145 (cited by 3 submitters); PubMed 25103822 (cited by Ambry Genetics); PubMed 19563646 (cited by Women's Health and Genetics/Laboratory Corporation of America, LabCorp); DOI 10.3389/fgene.2022.834265 (cited by National Health Laboratory Service, Universitas Academic Hospital and University of the Free State).